The following is an entry in ClinVar:

ClinVar aggregate classification (germline): Uncertain significance. Review status: reviewed by expert panel (3 of 4 stars). 8 submissions from 8 submitters: Uncertain significance (1). 7 of the submissions do not count toward it. Last evaluated 2021-12-09.

Conditions:
MYH7-related disorder. Also called: MYH7-related condition; MYH7-related disease; MYH7-related disorders.
Cardiovascular phenotype. Identifiers: MedGen CN230736.
Cardiomyopathy (CMYO). Also called: Cardiomyopathies. Identifiers: Orphanet 167848, MedGen C0878544, MONDO:0004994, HP:0001638. Inheritance: Various modes of inheritance.
Primary dilated cardiomyopathy (DCM). Also called: Dilated Cardiomyopathy. Identifiers: Orphanet 217604, MedGen C0007193, MeSH D002311, MONDO:0005021, HP:0001644. Inheritance: Various modes of inheritance.
Hypertrophic cardiomyopathy. Also called: HYPERTROPHIC MYOCARDIOPATHY. Identifiers: Orphanet 217569, MedGen C0007194, MeSH D002312, MONDO:0005045, HP:0001639.

Submissions (8):

ClinGen Cardiomyopathy Variant Curation Expert Panel
Classification: Uncertain significance for Primary dilated cardiomyopathy. Last evaluated: 2021-12-09. Review status: reviewed by expert panel. Criteria: ClinGen CMP ACMG Specifications v1. Collection method: curation. Allele origin: germline. Inheritance: Autosomal dominant inheritance.
Comment: The NM_000257.4(MYH7):c.5395G>A (p.Glu1799Lys) variant has been identified in at least 5 individuals with DCM, including 1 infant with DCM and LVNC (PS4_Supporting; Mazzarotto 2020 PMID: 3198322; Petrovsky National Research Centre of Surgery - The Federal Agency for Scientific Organizations ClinVar Submission Accession: SCV001445827.; CHEO pers. comm.; GeneDx pers. comm.; OMGL pers. comm.). This variant has also been reported in 2 individuals with LVNC (Takasaki 2018 PMID:30188508; Ambry pers. comm.). This variant was absent from large population studies (PM2; gnomAD v2.1.1). Computational prediction tools and conservation analysis suggest that this variant may impact the protein (PP3). In summary, due to insufficient evidence, this variant is classified as uncertain significance for dilated cardiomyopathy in an autosomal dominant manner. MYH7-specific ACMG/AMP criteria applied (Kelly 2018 PMID:29300372): PS4_Supporting, PM2, PP3.

Ambry Genetics
Classification: Uncertain significance for Cardiovascular phenotype. Last evaluated: 2025-10-17. Review status: criteria provided, single submitter. Criteria: Ambry Variant Classification Scheme 2023. Collection method: clinical testing. Allele origin: germline. Not counted in ClinVar's aggregate classification.
Comment: The p.E1799K variant (also known as c.5395G>A), located in coding exon 35 of the MYH7 gene, results from a G to A substitution at nucleotide position 5395. The glutamic acid at codon 1799 is replaced by lysine, an amino acid with similar properties. This variant was reported in individual(s) with features consistent with MYH7-related cardiomyopathy (Takasaki A et al. Pediatr Res, 2018 Nov;84:733-742; Ghani M et al. J Mol Diagn, 2019 Jul;21:602-611; Mazzarotto F et al. Circulation, 2020 Feb;141:387-398; Akinrinade O et al. J Cardiovasc Transl Res, 2023 Dec;16:1287-1302). This amino acid position is highly conserved in available vertebrate species. In addition, this alteration is predicted to be deleterious by in silico analysis. Based on the available evidence, the clinical significance of this variant remains unclear.

Labcorp Genetics (formerly Invitae), Labcorp
Classification: Uncertain significance for Hypertrophic cardiomyopathy. Last evaluated: 2024-01-04. Review status: criteria provided, single submitter. Criteria: Invitae Variant Classification Sherloc (09022015). Collection method: clinical testing. Allele origin: germline. Not counted in ClinVar's aggregate classification.
Comment: This sequence change replaces glutamic acid, which is acidic and polar, with lysine, which is basic and polar, at codon 1799 of the MYH7 protein (p.Glu1799Lys). This variant is not present in population databases (gnomAD no frequency). This missense change has been observed in individual(s) with dilated cardiomyopathy and/or left ventricular noncompaction (PMID: 30188508, 31983221, 35288587). ClinVar contains an entry for this variant (Variation ID: 181278). Advanced modeling of protein sequence and biophysical properties (such as structural, functional, and spatial information, amino acid conservation, physicochemical variation, residue mobility, and thermodynamic stability) performed at Invitae indicates that this missense variant is expected to disrupt MYH7 protein function with a positive predictive value of 95%. In summary, the available evidence is currently insufficient to determine the role of this variant in disease. Therefore, it has been classified as a Variant of Uncertain Significance.

Women's Health and Genetics/Laboratory Corporation of America, LabCorp
Classification: Uncertain significance. Last evaluated: 2023-02-24. Review status: criteria provided, single submitter. Criteria: LabCorp Variant Classification Summary - May 2015. Collection method: clinical testing. Allele origin: germline. Not counted in ClinVar's aggregate classification.
Comment: Variant summary: MYH7 c.5395G>A (p.Glu1799Lys) results in a conservative amino acid change located in the Myosin head, motor domain (IPR001609) of the encoded protein sequence. Four of five in-silico tools predict a damaging effect of the variant on protein function. The variant was absent in 251476 control chromosomes. The available data on variant occurrences in the general population are insufficient to allow any conclusion about variant significance. c.5395G>A has been reported in the literature in individuals affected with Cardiomyopathy without evidence of cosegregation (Takasaki_2018, Mazzarotto_2020, Lesurf_2022). These reports do not provide unequivocal conclusions about association of the variant with Left Ventricular Noncompaction or Dilated Cardiomyopathy. To our knowledge, no experimental evidence demonstrating an impact on protein function has been reported. Six submitters have provided clinical-significance assessments for this variant to ClinVar after 2014, classifying it as uncertain significance (n=5, including expert panel) or likely pathogenic (n=1). Based on the evidence outlined above, the variant was classified as uncertain significance.

Blueprint Genetics
Classification: Likely pathogenic for MYH7-related disorders. Last evaluated: 2022-03-17. Review status: criteria provided, single submitter. Criteria: ACMG Guidelines, 2015. Collection method: clinical testing. Allele origin: germline. Affected: yes. Observed: 5 variant alleles. Not counted in ClinVar's aggregate classification.

CHEO Genetics Diagnostic Laboratory, Children's Hospital of Eastern Ontario
Classification: Uncertain significance for Cardiomyopathy. Last evaluated: 2021-07-16. Review status: criteria provided, single submitter. Criteria: ACMG Guidelines, 2015. Collection method: clinical testing. Allele origin: germline. Not counted in ClinVar's aggregate classification.

Petrovsky National Research Centre of Surgery, The Federal Agency for Scientific Organizations
Classification: Uncertain significance. Last evaluated: 2020-11-18. Review status: criteria provided, single submitter. Criteria: ACMG Guidelines, 2015. Collection method: clinical testing. Allele origin: maternal, unknown. Affected: yes and no. Observed: 2 heterozygotes. Clinical features observed: Left ventricular noncompaction cardiomyopathy (HP:0011664), Primary dilated cardiomyopathy (HP:0001644). Not counted in ClinVar's aggregate classification.
Comment: The p.E1799K genetic variant is not present in gnomAD database, and the bioinformatic evidence is controversial. The online in silico resources predict the p.E1799K genetic variant to be probably pathogenic. Additionally, the p.E1799K genetic variant is a missense variant in MYH7 gene, with z-score of 3.93, therefore, MYH7 gene is probably less tolerant to missense variants. However, no functional studies are available for the p.E1799K genetic variant and the results of family screening were inconclusive. We classify the p.E1799K genetic variant to be the variant of uncertain clinical significance.

GeneDx
Classification: Likely pathogenic. Last evaluated: 2012-12-04. Review status: criteria provided, single submitter. Criteria: GeneDx Variant Classification (06012015). Collection method: clinical testing. Allele origin: germline. Affected: yes. Not counted in ClinVar's aggregate classification.
Comment: p.Glu1799Lys (GAA>AAA):c.5395 G>A in exon 37 of the MYH7 gene (NM_000257.2). The Glu1799Lys variant in the MYH7 gene has not been reported as a disease-causing mutation or as a benign polymorphism to our knowledge. Glu1799Lys results in a non-conservative amino acid substitution of a negatively charged Glutamic Acid residue with a positively charged Lysine residue at a position that is conserved across species. In silico analysis predicts Glu1799Lys is probably damaging to the protein structure/function. Mutations in nearby residues (D1792G, Q1794E, E1801G, G1808A) have been reported in association with DCM, further supporting the functional importance of this region of the protein. Furthermore, the Glu1799Lys variant was not reported in the 1000 Genomes database (Kersey P et al., 2010), and the NHLBI ESP Exome Variant Server reports Glu1799Lys was not observed in approximately 6000 samples from individuals of European and African American backgrounds, indicating it is not a common benign variant in these populations. In summary, Glu1799Lys is a good candidate for a disease-causing mutation. The variant is found in DCM panel(s).

Literature cited by the submitters: PubMed 30188508 (cited by 3 submitters); PubMed 31028938 (cited by Ambry Genetics); PubMed 31983221 (cited by 3 submitters); PubMed 37477868 (cited by Ambry Genetics); PubMed 35288587 (cited by Labcorp Genetics (formerly Invitae), Labcorp and Women's Health and Genetics/Laboratory Corporation of America, LabCorp).

NM_000257.4(MYH7):c.5395G>A (p.Glu1799Lys)

Gene: MYH7 (myosin heavy chain 7; minus strand). Cytogenetic location: 14q11.2.
Variant type: single nucleotide variant.
Coding change: c.5395G>A on transcript NM_000257.4 (MANE Select); coding-DNA position 5395, G replaced by A.
Protein change: p.Glu1799Lys; replaces glutamic acid 1799 with lysine.
Molecular consequence: missense variant.
Genome position (GRCh38, 1-based): chr14:23,415,159, C>T on the plus strand (G>A on the coding strand, the complement: MYH7 is on the minus strand). VCF-style: chr14-23415159-C-T. GRCh37 (hg19) VCF-style: chr14-23884368-C-T.
Other names: p.E1799K:GAA>AAA; NM_000257.4(MYH7):c.5395G>A; p.Glu1799Lys; c.5395G>A (LRG_384t1); short protein forms E1799K.
Identifiers: ClinVar variation 181278 (VCV000181278.23), dbSNP rs730880816, ClinGen allele CA016046.